The following is an entry in ClinVar:

ClinVar aggregate classification (germline): Uncertain significance (1 of 4 stars; one submission).

gnomAD v4.1: 10 of 1,613,462 alleles (0.00062%); highest among the groups gnomAD compares: Admixed American, 0.0033%; no homozygotes.

Submission:

Dasa
Classification: Uncertain significance. Last evaluated: 2025-06-19. Review status: criteria provided, single submitter. Criteria: DASA Assertion Criteria. Collection method: clinical testing. Allele origin: germline.
Comment: NM_178857.6(RP1L1):c.4337G>A (p.Gly1446Asp) is a missense variant that results in the substitution of glycine with aspartic acid. This variant is rare in population databases. Computational prediction algorithms are consistent with a benign effect. The currently available literature and clinical evidence are not sufficient to establish a definitive association between this variant and the reported condition. Therefore, this variant is classified as a variant of uncertain significance.

NM_178857.6(RP1L1):c.4337G>A (p.Gly1446Asp)

Gene: RP1L1 (RP1 like 1). Cytogenetic location: 8p23.1.
Variant type: single nucleotide variant.
Coding change: c.4337G>A on transcript NM_178857.6 (MANE Select); coding-DNA position 4337, G replaced by A.
Protein change: p.Gly1446Asp; replaces glycine 1446 with aspartic acid.
Molecular consequence: missense variant.
Genome position (GRCh38, 1-based): chr8:10,609,761, C>T on the plus strand (G>A on the coding strand, the complement: RP1L1 is on the minus strand). VCF-style: chr8-10609761-C-T. GRCh37 (hg19) VCF-style: chr8-10467271-C-T.
Other names: short protein forms G1446D.
Identifiers: ClinVar variation 4881442 (VCV004881442.2).